The following is an entry in ClinVar:

NM_000551.4(VHL):c.339_340+5del

Gene: VHL (von Hippel-Lindau tumor suppressor; plus strand). Cytogenetic location: 3p25.3.
Variant type: Deletion.
Coding change: c.339_340+5del on transcript NM_000551.4 (MANE Select); coding-DNA position 339 through 5 bases into the intron after coding-DNA position 340, 7 bases deleted (AGGTACG; older notation c.339_340+5delAGGTACG).
Molecular consequence: splice donor variant.
Genome position (GRCh38, 1-based): chr3:10,142,186-10,142,192, AGGTACG deleted; deleting any 7 consecutive bases within chr3:10,142,184-10,142,192 gives the same sequence; the c. name uses the placement nearest the transcript's 3' end. VCF-style (leftmost placement, unchanged base first): chr3-10142183-CCGAGGTA-C. GRCh37 (hg19) VCF-style: chr3-10183867-CCGAGGTA-C.
Other names: c.339_340+5del (NM_001354723.2, NM_198156.3).
Identifiers: ClinVar variation 639348 (VCV000639348.1), dbSNP rs1575922562, ClinGen allele CA915941837.

ClinVar aggregate classification (germline): Pathogenic (1 of 4 stars; one submission).

Conditions:
Von Hippel-Lindau syndrome (VHLS). Also called: Von Hippel-Lindau; VHL syndrome; von Hippel–Lindau syndrome. Identifiers: Orphanet 892, MedGen C0019562, MONDO:0008667, OMIM 193300. Disease mechanism: loss of function.
Chuvash polycythemia. Also called: POLYCYTHEMIA, VHL-DEPENDENT. Identifiers: Orphanet 238557, MedGen C1837915, MONDO:0009892, OMIM 263400.

Submission:

Labcorp Genetics (formerly Invitae), Labcorp
Classification: Pathogenic for Von Hippel-Lindau syndrome; Erythrocytosis, familial, 2. Last evaluated: 2018-11-07. Review status: criteria provided, single submitter. Criteria: Invitae Variant Classification Sherloc (09022015). Collection method: clinical testing. Allele origin: germline.
Comment: This sequence change removes the last 2 nucelotides from exon 1, and affects a donor splice site in intron 1 of the VHL gene. It is expected to disrupt RNA splicing and likely results in an absent or disrupted protein product. This variant is not present in population databases (ExAC no frequency). This variant has not been reported in the literature in individuals with VHL-related disease. Algorithms developed to predict the effect of sequence changes on RNA splicing suggest that this variant may disrupt the consensus splice site, but this prediction has not been confirmed by published transcriptional studies. Donor and acceptor splice site variants typically lead to a loss of protein function (PMID: 16199547), and loss-of-function variants in VHL are known to be pathogenic (PMID: 8956040, 12202531). For these reasons, this variant has been classified as Pathogenic.

Literature cited by the submitters: PubMed 12202531; PubMed 8956040.